The following is an entry in ClinVar:

NM_025114.4(CEP290):c.1480del (p.Ser494fs)

Gene: CEP290 (centrosomal protein 290; minus strand). Cytogenetic location: 12q21.32.
Variant type: Deletion.
Coding change: c.1480del on transcript NM_025114.4 (MANE Select); coding-DNA position 1480, one base deleted (A; older notation c.1480delA).
Protein change: p.Ser494fs; shifts the reading frame from serine 494.
Molecular consequence: frameshift variant.
Genome position (GRCh38, 1-based): chr12:88,120,156, T deleted on the plus strand (A on the coding strand, the reverse complement: CEP290 is on the minus strand). VCF-style (leftmost placement, unchanged base first): chr12-88120155-CT-C. GRCh37 (hg19) VCF-style: chr12-88513932-CT-C.
Other names: short protein forms S494fs.
Identifiers: ClinVar variation 2933627 (VCV002933627.4), dbSNP rs2501040632, ClinGen allele CA2740092516.

ClinVar aggregate classification (germline): Pathogenic/Likely pathogenic. Review status: criteria provided, multiple submitters, no conflicts (2 of 4 stars). 2 submissions from 2 submitters: Pathogenic (1); Likely pathogenic (1). Last evaluated 2023-12-21.

Conditions:
CEP290-related disorder. Also called: CEP290-related condition; CEP290-related disorders. Identifiers: MedGen CN239314.
Joubert syndrome. Also called: Familial aplasia of the vermis; JOUBERT-BOLTSHAUSER SYNDROME. Identifiers: Orphanet 475, MedGen C5979921, MONDO:0018772.
Meckel-Gruber syndrome. Also called: DYSENCEPHALIA SPLANCHNOCYSTICA; Dysencephalia splachnocystica; GRUBER SYNDROME. Identifiers: Orphanet 564, MedGen C0265215, MONDO:0018921.
Nephronophthisis. Also called: Juvenile Nephronophthisis. Identifiers: Orphanet 655, MedGen C0687120, MONDO:0019005, HP:0000090.

Submissions (2):

Labcorp Genetics (formerly Invitae), Labcorp
Classification: Pathogenic for Joubert syndrome; Meckel-Gruber syndrome; Nephronophthisis. Last evaluated: 2023-12-21. Review status: criteria provided, single submitter. Criteria: Invitae Variant Classification Sherloc (09022015). Collection method: clinical testing. Allele origin: germline.
Comment: This sequence change creates a premature translational stop signal (p.Ser494Valfs*21) in the CEP290 gene. It is expected to result in an absent or disrupted protein product. Loss-of-function variants in CEP290 are known to be pathogenic (PMID: 16909394, 17345604, 20690115). This variant is not present in population databases (gnomAD no frequency). This variant has not been reported in the literature in individuals affected with CEP290-related conditions. For these reasons, this variant has been classified as Pathogenic.

Blueprint Genetics
Classification: Likely pathogenic for CEP290-related disorders. Last evaluated: 2021-06-09. Review status: criteria provided, single submitter. Criteria: ACMG Guidelines, 2015. Collection method: clinical testing. Allele origin: germline. Affected: yes. Observed: 1 variant allele.

Literature cited by the submitters: PubMed 16909394 (cited by Labcorp Genetics (formerly Invitae), Labcorp); PubMed 17345604 (cited by Labcorp Genetics (formerly Invitae), Labcorp); PubMed 20690115 (cited by Labcorp Genetics (formerly Invitae), Labcorp).